The following is an entry in ClinVar:

ClinVar aggregate classification (germline): Likely benign (1 of 4 stars; one submission).

Submission:

CeGaT Center for Human Genetics Tuebingen
Classification: Likely benign. Last evaluated: 2022-05-01. Review status: criteria provided, single submitter. Criteria: CeGaT Center For Human Genetics Tuebingen Variant Classification Criteria Version 2. Collection method: clinical testing. Allele origin: germline. Affected: yes. Observed: 1 variant allele.
Comment: CEP350: PM2:Supporting, BP4, BP7

NM_014810.5(CEP350):c.4281G>T (p.Leu1427=)

Gene: CEP350 (centrosomal protein 350; plus strand). Cytogenetic location: 1q25.2.
Variant type: single nucleotide variant.
Coding change: c.4281G>T on transcript NM_014810.5 (MANE Select); coding-DNA position 4281, G replaced by T.
Protein change: p.Leu1427=; no amino-acid change (leucine 1427 retained).
Molecular consequence: synonymous variant.
Genome position (GRCh38, 1-based): chr1:180,041,721, G>T. VCF-style: chr1-180041721-G-T. GRCh37 (hg19) VCF-style: chr1-180010856-G-T.
Identifiers: ClinVar variation 2639596 (VCV002639596.24), dbSNP rs139888010, ClinGen allele CA422045933.